The following is an entry in ClinVar:

NM_001999.4(FBN2):c.4661A>T (p.Tyr1554Phe)

Gene: FBN2 (fibrillin 2; minus strand). Cytogenetic location: 5q23.3.
Variant type: single nucleotide variant.
Coding change: c.4661A>T on transcript NM_001999.4 (MANE Select); coding-DNA position 4661, A replaced by T.
Protein change: p.Tyr1554Phe; replaces tyrosine 1554 with phenylalanine.
Molecular consequence: missense variant.
Genome position (GRCh38, 1-based): chr5:128,318,205, T>A on the plus strand (A>T on the coding strand, the complement: FBN2 is on the minus strand). VCF-style: chr5-128318205-T-A. GRCh37 (hg19) VCF-style: chr5-127653897-T-A.
Other names: short protein forms Y1554F.
Identifiers: ClinVar variation 2118808 (VCV002118808.5), dbSNP rs2479757395, ClinGen allele CA360749628.

ClinVar aggregate classification (germline): Uncertain significance. Review status: criteria provided, multiple submitters, no conflicts (2 of 4 stars). 2 submissions from 2 submitters: Uncertain significance (2). Last evaluated 2022-07-19.

Conditions:
Congenital contractural arachnodactyly (CCA). Also called: BEALS SYNDROME; Beals-Hecht syndrome; Arthrogryposis, distal, type 9. Identifiers: Orphanet 115, MedGen C0220668, MONDO:0007363, OMIM 121050.

Submissions (2):

Blueprint Genetics
Classification: Uncertain significance. Last evaluated: 2022-07-19. Review status: criteria provided, single submitter. Criteria: ACMG Guidelines, 2015. Collection method: clinical testing. Allele origin: germline.

Labcorp Genetics (formerly Invitae), Labcorp
Classification: Uncertain significance for Congenital contractural arachnodactyly. Last evaluated: 2022-03-29. Review status: criteria provided, single submitter. Criteria: Invitae Variant Classification Sherloc (09022015). Collection method: clinical testing. Allele origin: germline.
Comment: This sequence change replaces tyrosine, which is neutral and polar, with phenylalanine, which is neutral and non-polar, at codon 1554 of the FBN2 protein (p.Tyr1554Phe). In summary, the available evidence is currently insufficient to determine the role of this variant in disease. Therefore, it has been classified as a Variant of Uncertain Significance. Advanced modeling of protein sequence and biophysical properties (such as structural, functional, and spatial information, amino acid conservation, physicochemical variation, residue mobility, and thermodynamic stability) performed at Invitae indicates that this missense variant is not expected to disrupt FBN2 protein function. This variant has not been reported in the literature in individuals affected with FBN2-related conditions. This variant is not present in population databases (gnomAD no frequency).